The following is an entry in ClinVar:

ClinVar aggregate classification (germline): Likely benign (0 of 4 stars; one submission).

Conditions:
WDR35-related disorder. Also called: WDR35-related disorders; WDR35-related condition. Identifiers: MedGen CN239419.

Submission:

PreventionGenetics, part of Exact Sciences
Classification: Likely benign for WDR35-related condition. Last evaluated: 2022-09-02. Review status: no assertion criteria provided. Collection method: clinical testing. Allele origin: germline.
Comment: This variant is classified as likely benign based on ACMG/AMP sequence variant interpretation guidelines (Richards et al. 2015 PMID: 25741868, with internal and published modifications).

NM_020779.4(WDR35):c.737-4C>T

Gene: WDR35 (WD repeat domain 35; minus strand). Cytogenetic location: 2p24.1.
Variant type: single nucleotide variant.
Coding change: c.737-4C>T on transcript NM_020779.4 (MANE Select); 4 bases into the intron before coding-DNA position 737, C replaced by T.
Molecular consequence: intron variant.
Genome position (GRCh38, 1-based): chr2:19,973,712, G>A on the plus strand (C>T on the coding strand, the complement: WDR35 is on the minus strand). VCF-style: chr2-19973712-G-A. GRCh37 (hg19) VCF-style: chr2-20173473-G-A.
Other names: c.737-4C>T (NM_001006657.2).
Identifiers: ClinVar variation 3046403 (VCV003046403.2), dbSNP rs2527951428, ClinGen allele CA2740092708.